The following is an entry in ClinVar:

NM_000183.3(HADHB):c.1150-2A>G

Gene: HADHB (hydroxyacyl-CoA dehydrogenase trifunctional multienzyme complex subunit beta; plus strand). Cytogenetic location: 2p23.3.
Variant type: single nucleotide variant.
Coding change: c.1150-2A>G on transcript NM_000183.3 (MANE Select); the canonical splice acceptor site of the intron before coding-DNA position 1150, A replaced by G.
Molecular consequence: splice acceptor variant.
Genome position (GRCh38, 1-based): chr2:26,284,881, A>G. VCF-style: chr2-26284881-A-G. GRCh37 (hg19) VCF-style: chr2-26507749-A-G.
Other names: c.1084-2A>G (NM_001281513.2); c.1105-2A>G (NM_001281512.2).
Identifiers: ClinVar variation 1469905 (VCV001469905.8), dbSNP rs2147832276, ClinGen allele CA346096012.

ClinVar aggregate classification (germline): Likely pathogenic (1 of 4 stars; one submission).

Conditions:
Mitochondrial trifunctional protein deficiency. Identifiers: Orphanet 746, MedGen C1969443, MONDO:0012172.

gnomAD v4.1: 1 of 1,503,974 alleles (0.000066%); highest among the groups gnomAD compares: Non-Finnish European, 0.000093%; no homozygotes.

Submission:

Labcorp Genetics (formerly Invitae), Labcorp
Classification: Likely pathogenic for Mitochondrial trifunctional protein deficiency. Last evaluated: 2021-04-02. Review status: criteria provided, single submitter. Criteria: Invitae Variant Classification Sherloc (09022015). Collection method: clinical testing. Allele origin: germline.
Comment: In summary, the currently available evidence indicates that the variant is pathogenic, but additional data are needed to prove that conclusively. Therefore, this variant has been classified as Likely Pathogenic. Algorithms developed to predict the effect of sequence changes on RNA splicing suggest that this variant may disrupt the consensus splice site, but this prediction has not been confirmed by published transcriptional studies. Disruption of this splice site has been observed in individual(s) with mitochondrial trifunctional protein deficiency (PMID: 28871440). This variant is not present in population databases (ExAC no frequency). This sequence change affects an acceptor splice site in intron 13 of the HADHB gene. It is expected to disrupt RNA splicing. Variants that disrupt the donor or acceptor splice site typically lead to a loss of protein function (PMID: 16199547), and loss-of-function variants in HADHB are known to be pathogenic (PMID: 9259266, 12754706).

Literature cited by the submitters: PubMed 28871440; PubMed 16199547; PubMed 9259266; PubMed 12754706.